The following is an entry in ClinVar:

ClinVar aggregate classification (germline): Pathogenic (1 of 4 stars; one submission).

Allele frequency attached by ClinVar (database versions not stated): gnomAD exomes below 0.00001; TOPMed 0.00001.
gnomAD v4.1: 1 of 1,611,664 alleles (0.000062%); highest among the groups gnomAD compares: Admixed American, 0.0017%; no homozygotes.

Submission:

Labcorp Genetics (formerly Invitae), Labcorp
Classification: Pathogenic. Last evaluated: 2020-02-03. Review status: criteria provided, single submitter. Criteria: Invitae Variant Classification Sherloc (09022015). Collection method: clinical testing. Allele origin: germline.
Comment: For these reasons, this variant has been classified as Pathogenic. Loss-of-function variants in GLMN are known to be pathogenic (PMID: 23801931). This variant has not been reported in the literature in individuals with GLMN-related conditions. This variant is not present in population databases (ExAC no frequency). This sequence change creates a premature translational stop signal (p.Gln281*) in the GLMN gene. It is expected to result in an absent or disrupted protein product.

Literature cited by the submitters: PubMed 23801931.

NM_053274.3(GLMN):c.841C>T (p.Gln281Ter)

Gene: GLMN (glomulin, FKBP associated protein; minus strand). Cytogenetic location: 1p22.1.
Variant type: single nucleotide variant.
Coding change: c.841C>T on transcript NM_053274.3 (MANE Select); coding-DNA position 841, C replaced by T.
Protein change: p.Gln281Ter; replaces glutamine 281 with a stop codon.
Molecular consequence: nonsense. On other transcripts: non-coding transcript variant (1).
Genome position (GRCh38, 1-based): chr1:92,271,547, G>A on the plus strand (C>T on the coding strand, the complement: GLMN is on the minus strand). VCF-style: chr1-92271547-G-A. GRCh37 (hg19) VCF-style: chr1-92737104-G-A.
Other names: c.841C>T, p.Gln281Ter (NM_001319683.2); short protein forms Q281*.
Identifiers: ClinVar variation 1069620 (VCV001069620.8), dbSNP rs909548615, ClinGen allele CA26747637.